The following is an entry in ClinVar:

ClinVar aggregate classification (germline): Uncertain significance (1 of 4 stars; one submission).

Conditions:
Imerslund-Grasbeck syndrome. Also called: PERNICIOUS ANEMIA, JUVENILE, DUE TO SELECTIVE INTESTINAL MALABSORPTION OF VITAMIN B12, WITH PROTEINURIA; Imerslund-Gräsbeck syndrome; ENTEROCYTE COBALAMIN MALABSORPTION; ENTEROCYTE INTRINSIC FACTOR RECEPTOR, DEFECT OF; Megaloblastic anemia due to inborn errors of metabolism. Identifiers: Orphanet 35858, MedGen C4551825, MONDO:0009853.

Submission:

Labcorp Genetics (formerly Invitae), Labcorp
Classification: Uncertain significance for Imerslund-Grasbeck syndrome. Last evaluated: 2024-08-31. Review status: criteria provided, single submitter. Criteria: Invitae Variant Classification Sherloc (09022015). Collection method: clinical testing. Allele origin: germline.
Comment: This sequence change replaces leucine, which is neutral and non-polar, with isoleucine, which is neutral and non-polar, at codon 389 of the AMN protein (p.Leu389Ile). This variant is not present in population databases (gnomAD no frequency). This variant has not been reported in the literature in individuals affected with AMN-related conditions. Invitae Evidence Modeling of protein sequence and biophysical properties (such as structural, functional, and spatial information, amino acid conservation, physicochemical variation, residue mobility, and thermodynamic stability) indicates that this missense variant is not expected to disrupt AMN protein function with a negative predictive value of 80%. In summary, the available evidence is currently insufficient to determine the role of this variant in disease. Therefore, it has been classified as a Variant of Uncertain Significance.

NM_030943.4(AMN):c.1165C>A (p.Leu389Ile)

Gene: AMN (amnion associated transmembrane protein; plus strand). Cytogenetic location: 14q32.32.
Variant type: single nucleotide variant.
Coding change: c.1165C>A on transcript NM_030943.4 (MANE Select); coding-DNA position 1165, C replaced by A.
Protein change: p.Leu389Ile; replaces leucine 389 with isoleucine.
Molecular consequence: missense variant.
Genome position (GRCh38, 1-based): chr14:102,930,323, C>A. VCF-style: chr14-102930323-C-A. GRCh37 (hg19) VCF-style: chr14-103396660-C-A.
Other names: c.1003C>A, p.Leu335Ile (NM_001425246.1); short protein forms L335I, L389I.
Identifiers: ClinVar variation 3664087 (VCV003664087.2).